The following is an entry in ClinVar:

ClinVar aggregate classification (germline): Benign. Review status: criteria provided, multiple submitters, no conflicts (2 of 4 stars). 4 submissions from 4 submitters: Benign (4). Last evaluated 2026-01-26.

Conditions:
3MC syndrome 1. Also called: OCULOPALATOSKELETAL SYNDROME; CRANIOSYNOSTOSIS WITH LID ANOMALIES; MICHELS SYNDROME. Identifiers: Orphanet 293843, MedGen C0796059, MONDO:0009770, OMIM 257920.

Allele frequency attached by ClinVar (database versions not stated): gnomAD exomes 0.04517; ExAC 0.04734; gnomAD 0.06781 and 0.06887; ESP Exome Variant Server 0.06898; TOPMed 0.07029; 1000 Genomes Project 0.07069; 1000 Genomes Project 30x 0.07402.

Submissions (4):

Labcorp Genetics (formerly Invitae), Labcorp
Classification: Benign for 3MC syndrome 1. Last evaluated: 2026-01-26. Review status: criteria provided, single submitter. Criteria: Invitae Variant Classification Sherloc (09022015). Collection method: clinical testing. Allele origin: germline.

Blueprint Genetics
Classification: Benign. Last evaluated: 2024-11-26. Review status: criteria provided, single submitter. Criteria: ACMG Guidelines, 2015. Collection method: clinical testing. Allele origin: germline.

GeneDx
Classification: Benign. Last evaluated: 2018-08-15. Review status: criteria provided, single submitter. Criteria: GeneDx Variant Classification Process June 2021. Collection method: clinical testing. Allele origin: germline. Affected: yes.
Comment: This variant is associated with the following publications: (PMID: 24023860)

Breakthrough Genomics
Classification: Benign. Review status: criteria provided, single submitter. Criteria: ACMG Guidelines, 2015. Collection method: not provided. Allele origin: germline. Inheritance: Autosomal recessive inheritance. Affected: yes.

NM_139125.4(MASP1):c.1727G>T (p.Arg576Met)

Gene: MASP1 (MBL associated serine protease 1; minus strand). Cytogenetic location: 3q27.3.
Variant type: single nucleotide variant.
Coding change: c.1727G>T on transcript NM_139125.4 (MANE Select); coding-DNA position 1727, G replaced by T.
Protein change: p.Arg576Met; replaces arginine 576 with methionine.
Molecular consequence: missense variant. On other transcripts: non-coding transcript variant (1), intron variant (1).
Genome position (GRCh38, 1-based): chr3:187,236,144, C>A on the plus strand (G>T on the coding strand, the complement: MASP1 is on the minus strand). VCF-style: chr3-187236144-C-A. GRCh37 (hg19) VCF-style: chr3-186953932-C-A.
Other names: c.1303+5337G>T (NM_001879.6); short protein forms R576M.
Identifiers: ClinVar variation 1166550 (VCV001166550.10), dbSNP rs72549154, ClinGen allele CA2749195.